The following is an entry in ClinVar:

NM_207361.6(FREM2):c.567C>T (p.Val189=)

Gene: FREM2 (FRAS1 related extracellular matrix 2; plus strand). Cytogenetic location: 13q13.3.
Variant type: single nucleotide variant.
Coding change: c.567C>T on transcript NM_207361.6 (MANE Select); coding-DNA position 567, C replaced by T.
Protein change: p.Val189=; no amino-acid change (valine 189 retained).
Molecular consequence: synonymous variant.
Genome position (GRCh38, 1-based): chr13:38,687,911, C>T. VCF-style: chr13-38687911-C-T. GRCh37 (hg19) VCF-style: chr13-39262048-C-T.
Other names: c.567C>T (NM_207361.5).
Identifiers: ClinVar variation 1596881 (VCV001596881.11), dbSNP rs370371340, ClinGen allele CA6954233.

ClinVar aggregate classification (germline): Likely benign. Review status: criteria provided, multiple submitters, no conflicts (2 of 4 stars). 3 submissions from 3 submitters: Likely benign (2). 1 of the submissions does not count toward it. Last evaluated 2025-12-30.

Conditions:
FREM2-related disorder. Also called: FREM2-related condition.
Isolated cryptophthalmia. Also called: Cryptophthalmos, unilateral or bilateral, isolated; ANKYLOBLEPHARON, SIMPLE. Identifiers: Orphanet 91396, MedGen C1852453, MONDO:0007410, OMIM 123570.
Fraser syndrome 2 (FRASRS2). Identifiers: MedGen C4540036, MONDO:0054738, OMIM 617666.

Allele frequency attached by ClinVar (database versions not stated): TOPMed 0.00004; ESP Exome Variant Server 0.00008.
gnomAD v4.1: 74 of 1,593,908 alleles (0.0046%); highest among the groups gnomAD compares: Non-Finnish European, 0.0062%; no homozygotes.

Submissions (3):

Labcorp Genetics (formerly Invitae), Labcorp
Classification: Likely benign. Last evaluated: 2025-12-30. Review status: criteria provided, single submitter. Criteria: Invitae Variant Classification Sherloc (09022015). Collection method: clinical testing. Allele origin: germline.

Fulgent Genetics
Classification: Likely benign for Isolated cryptophthalmia; Fraser syndrome 2. Last evaluated: 2022-03-15. Review status: criteria provided, single submitter. Criteria: ACMG Guidelines, 2015. Collection method: clinical testing. Allele origin: unknown.

PreventionGenetics, part of Exact Sciences
Classification: Likely benign for FREM2-related condition. Last evaluated: 2022-12-12. Review status: no assertion criteria provided. Collection method: clinical testing. Allele origin: germline. Not counted in ClinVar's aggregate classification.
Comment: This variant is classified as likely benign based on ACMG/AMP sequence variant interpretation guidelines (Richards et al. 2015 PMID: 25741868, with internal and published modifications).